The following is an entry in ClinVar:

NM_015340.4(LARS2):c.606+1G>A

Gene: LARS2 (leucyl-tRNA synthetase 2, mitochondrial; plus strand). Cytogenetic location: 3p21.31.
Variant type: single nucleotide variant.
Coding change: c.606+1G>A on transcript NM_015340.4 (MANE Select); the canonical splice donor site of the intron after coding-DNA position 606, G replaced by A.
Molecular consequence: splice donor variant.
Genome position (GRCh38, 1-based): chr3:45,446,981, G>A. VCF-style: chr3-45446981-G-A. GRCh37 (hg19) VCF-style: chr3-45488473-G-A.
Other names: c.606+1G>A (NM_001368263.1).
Identifiers: ClinVar variation 4532519 (VCV004532519.1).
Genomic context (GRCh38, chr3:45,446,981, plus strand): 5'-AAGTGGACTCAGTATCTCTTTATTAAACTGTATGAGGCTGGGCTGGCCTATCAAAAGGAG[G>A]TAAGTTAAAATTAGCTGGACTTTTAAAATTCAGTGAATCTCTTTAGGATACATCATTGTA-3'

ClinVar aggregate classification (germline): Likely pathogenic (1 of 4 stars; one submission).

gnomAD v4.1: 7 of 1,562,922 alleles (0.00045%); highest among the groups gnomAD compares: Non-Finnish European, 0.00044%; no homozygotes.

Submission:

GeneDx
Classification: Likely pathogenic. Last evaluated: 2025-05-30. Review status: criteria provided, single submitter. Criteria: GeneDx Variant Classification Process June 2021. Collection method: clinical testing. Allele origin: germline. Affected: yes.
Comment: Canonical splice site variant predicted to result in an in-frame loss of the adjacent exon in a gene for which loss of function is a known mechanism of disease; Not observed at significant frequency in large population cohorts (gnomAD); Has not been previously published as pathogenic or benign to our knowledge